The following is an entry in ClinVar:

NM_001365480.1(CCDC88A):c.2034A>G (p.Thr678=)

Gene: CCDC88A (coiled-coil and HOOK domain protein 88A; minus strand). Cytogenetic location: 2p16.1.
Variant type: single nucleotide variant.
Coding change: c.2034A>G on transcript NM_001365480.1 (MANE Select); coding-DNA position 2034, A replaced by G.
Protein change: p.Thr678=; no amino-acid change (threonine 678 retained).
Molecular consequence: synonymous variant.
Genome position (GRCh38, 1-based): chr2:55,334,787, T>C on the plus strand (A>G on the coding strand, the complement: CCDC88A is on the minus strand). VCF-style: chr2-55334787-T-C. GRCh37 (hg19) VCF-style: chr2-55561923-T-C.
Other names: c.2034A>G, p.Thr678= (NM_001135597.2, NM_001254943.2, NM_018084.5).
Identifiers: ClinVar variation 1595731 (VCV001595731.26), dbSNP rs145865793, ClinGen allele CA1666037.

ClinVar aggregate classification (germline): Likely benign. Review status: criteria provided, multiple submitters, no conflicts (2 of 4 stars). 2 submissions from 2 submitters: Likely benign (2). Last evaluated 2026-02-02.

Allele frequency attached by ClinVar (database versions not stated): ESP Exome Variant Server 0.00008; gnomAD 0.00012 and 0.00013; gnomAD exomes 0.00012 and 0.00013; ExAC 0.00020.
gnomAD v4.1: 195 of 1,589,950 alleles (0.012%); highest among the groups gnomAD compares: Non-Finnish European, 0.015%; no homozygotes.

Submissions (2):

Labcorp Genetics (formerly Invitae), Labcorp
Classification: Likely benign. Last evaluated: 2026-02-02. Review status: criteria provided, single submitter. Criteria: Invitae Variant Classification Sherloc (09022015). Collection method: clinical testing. Allele origin: germline.

CeGaT Center for Human Genetics Tuebingen
Classification: Likely benign. Last evaluated: 2025-03-01. Review status: criteria provided, single submitter. Criteria: CeGaT Center For Human Genetics Tuebingen Variant Classification Criteria Version 2. Collection method: clinical testing. Allele origin: germline. Affected: yes. Observed: 2 variant alleles.
Comment: CCDC88A: BP4, BP7